The following is an entry in ClinVar:

NM_001332.4(CTNND2):c.121del (p.Asp41fs)

Gene: CTNND2 (catenin delta 2; minus strand). Cytogenetic location: 5p15.2.
Variant type: Deletion.
Coding change: c.121del on transcript NM_001332.4 (MANE Select); coding-DNA position 121, one base deleted (G; older notation c.121delG).
Protein change: p.Asp41fs; shifts the reading frame from aspartic acid 41.
Molecular consequence: frameshift variant. On other transcripts: 5 prime UTR variant (1), non-coding transcript variant (1).
Genome position (GRCh38, 1-based): chr5:11,732,189, C deleted on the plus strand (G on the coding strand, the reverse complement: CTNND2 is on the minus strand); the first of 4 consecutive C bases (chr5:11,732,189-11,732,192); deleting any one gives the same sequence. VCF-style (leftmost placement, unchanged base first): chr5-11732188-TC-T. GRCh37 (hg19) VCF-style: chr5-11732300-TC-T.
Other names: c.-614del (NM_001288717.2); short protein forms D41fs.
Identifiers: ClinVar variation 2228502 (VCV002228502.2), dbSNP rs2477383479, ClinGen allele CA2580071976.
Genomic context (GRCh38, chr5:11,732,188, plus strand): 5'-GTTTCTACCTGTTCTTTGACTGAGGCGAGGATGGCAGAGGTGGTTTCTGTTTCAGAGCCA[TC>T]CCCGTTGGAGGTGTTTAAGCCGGGGCTCAGGGAACTCGTCTTCTCTGAGGCTGATGAAGG-3'

ClinVar aggregate classification (germline): Likely pathogenic (1 of 4 stars; one submission).

Conditions:
Inborn genetic diseases. Identifiers: MedGen C0950123, MeSH D030342.

Submission:

Ambry Genetics
Classification: Likely pathogenic for Inborn genetic diseases. Last evaluated: 2021-02-05. Review status: criteria provided, single submitter. Criteria: Ambry Variant Classification Scheme 2023. Collection method: clinical testing. Allele origin: germline.
Comment: The c.121delG (p.D41Mfs*25) alteration, located in exon 2 (coding exon 2) of the CTNND2 gene, consists of a deletion of one nucleotide at position 121, causing a translational frameshift with a predicted alternate stop codon after 25 amino acids. This alteration is expected to result in loss of function by premature protein truncation or nonsense-mediated mRNA decay. Based on the available evidence, this alteration is classified as likely pathogenic.